The following is an entry in ClinVar:

NM_001375405.1(CEP120):c.2727-38C>T

Gene: CEP120 (centrosomal protein 120; minus strand). Cytogenetic location: 5q23.2.
Variant type: single nucleotide variant.
Coding change: c.2727-38C>T on transcript NM_001375405.1 (MANE Select); 38 bases into the intron before coding-DNA position 2727, C replaced by T.
Molecular consequence: intron variant. On other transcripts: synonymous variant (1).
Genome position (GRCh38, 1-based): chr5:123,346,791, G>A on the plus strand (C>T on the coding strand, the complement: CEP120 is on the minus strand). VCF-style: chr5-123346791-G-A. GRCh37 (hg19) VCF-style: chr5-122682485-G-A.
Other names: c.2745C>T, p.Asn915= (NM_001375407.1); c.2649-38C>T (NM_001166226.2); c.2727-38C>T (NM_153223.4); c.2154-38C>T (NM_001375408.1, NM_001375409.1); c.2592-38C>T (NM_001375406.1).
Identifiers: ClinVar variation 2655663 (VCV002655663.24), dbSNP rs2479648285, ClinGen allele CA2695198734.

ClinVar aggregate classification (germline): Likely benign (1 of 4 stars; one submission).

Submission:

CeGaT Center for Human Genetics Tuebingen
Classification: Likely benign. Last evaluated: 2023-07-01. Review status: criteria provided, single submitter. Criteria: CeGaT Center For Human Genetics Tuebingen Variant Classification Criteria Version 2. Collection method: clinical testing. Allele origin: germline. Affected: yes. Observed: 1 variant allele.
Comment: CEP120: PM2:Supporting, BP4, BP7